The following is an entry in ClinVar:

ClinVar aggregate classification (germline): Pathogenic/Likely pathogenic. Review status: criteria provided, multiple submitters, no conflicts (2 of 4 stars). 8 submissions from 8 submitters: Pathogenic (5); Likely pathogenic (2). 1 of the submissions does not count toward it. Last evaluated 2026-02-10.

Conditions:
Inborn genetic diseases. Identifiers: MedGen C0950123, MeSH D030342.
Intellectual disability-facial dysmorphism syndrome due to SETD5 haploinsufficiency (MRD23). Also called: Intellectual developmental disorder, autosomal dominant 23. Identifiers: Orphanet 404440, MedGen C3810406, MONDO:0014336, OMIM 615761.

Submissions (8):

Dasa
Classification: Likely pathogenic. Last evaluated: 2026-02-10. Review status: criteria provided, single submitter. Criteria: DASA Assertion Criteria. Collection method: clinical testing. Allele origin: germline.
Comment: NM_001080517.3(SETD5):c.3855dup (p.Ser1286Leufs*37) is a frameshift variant in SETD5 predicted to alter the reading frame and introduce a premature termination codon and is predicted to result in an absent or altered protein product. Loss of function is an established disease mechanism for SETD5 (PMID: 25138099; PMID: 24680889). This variant has been reported in individuals with SETD5-related disorders (PMID: 24680889). This variant has been reported as a de novo occurrence in an affected individual (PMID: 24680889). Also, this variant is rare in population databases. Based on the currently available evidence, this variant is classified as likely pathogenic.

Clinical Genetics Laboratory, Skane University Hospital Lund
Classification: Pathogenic for Intellectual disability-facial dysmorphism syndrome due to SETD5 haploinsufficiency. Last evaluated: 2024-09-10. Review status: criteria provided, single submitter. Criteria: ACMG Guidelines, 2015. Collection method: clinical testing. Allele origin: germline. Affected: yes.
Comment: ACMG criteria used: PVS1, PS2 (internal data), PM2.

Ambry Genetics
Classification: Pathogenic for Inborn genetic diseases. Last evaluated: 2023-08-28. Review status: criteria provided, single submitter. Criteria: Ambry Variant Classification Scheme 2023. Collection method: clinical testing. Allele origin: germline.
Comment: The c.3855dupC (p.S1286Lfs*37) alteration, located in exon 23 (coding exon 21) of the SETD5 gene, consists of a duplication of C at position 3855, causing a translational frameshift with a predicted alternate stop codon after 37 amino acids. This alteration occurs at the 3' terminus of the SETD5 gene, is not expected to trigger nonsense-mediated mRNA decay, and impacts the last 10% of the protein. However, premature stop codons are typically deleterious in nature and a significant portion of the protein is affected (Ambry internal data). This variant was not reported in population-based cohorts in the Genome Aggregation Database (gnomAD). This variant has been determined to be the result of a de novo mutation in one individual with features consistent with SETD5-related neurodevelopmental disorder (Stur, 2017). Based on the available evidence, this alteration is classified as pathogenic.

GeneDx
Classification: Pathogenic. Last evaluated: 2022-04-03. Review status: criteria provided, single submitter. Criteria: GeneDx Variant Classification Process June 2021. Collection method: clinical testing. Allele origin: germline. Affected: yes.
Comment: Frameshift variant predicted to result in protein truncation, as the last 157 amino acids are replaced with 36 different amino acids, and other loss-of-function variants have been reported downstream in the Human Gene Mutation Database (HGMD); Not observed in large population cohorts (gnomAD); This variant is associated with the following publications: (PMID: 28549204)

Labcorp Genetics (formerly Invitae), Labcorp
Classification: Pathogenic. Last evaluated: 2022-02-02. Review status: criteria provided, single submitter. Criteria: Invitae Variant Classification Sherloc (09022015). Collection method: clinical testing. Allele origin: germline.
Comment: This variant is also known as c.3848_3849insC. This premature translational stop signal has been observed in individual(s) with non-syndromic intellectual disability (PMID: 28549204). ClinVar contains an entry for this variant (Variation ID: 450756). This variant disrupts a region of the SETD5 protein in which other variant(s) (p.Ser1286Leufs*84 ) have been determined to be pathogenic (PMID: 24680889). This suggests that this is a clinically significant region of the protein, and that variants that disrupt it are likely to be disease-causing. This variant is not present in population databases (gnomAD no frequency). This sequence change creates a premature translational stop signal (p.Ser1286Leufs*37) in the SETD5 gene. While this is not anticipated to result in nonsense mediated decay, it is expected to disrupt the last 157 amino acid(s) of the SETD5 protein. For these reasons, this variant has been classified as Pathogenic.

Mendelics
Classification: Likely pathogenic for Intellectual disability-facial dysmorphism syndrome due to SETD5 haploinsufficiency. Last evaluated: 2019-05-28. Review status: criteria provided, single submitter. Criteria: Mendelics Assertion Criteria 2017. Collection method: clinical testing. Allele origin: unknown.

Laboratory of Medical Genetics, University of Torino
Classification: Pathogenic for Intellectual disability-facial dysmorphism syndrome due to SETD5 haploinsufficiency. Review status: criteria provided, single submitter. Criteria: ACMG Guidelines, 2015. Collection method: clinical testing. Allele origin: de novo. Affected: yes.

Molecular Genetics laboratory, Necker Hospital
Classification: Pathogenic. Last evaluated: 2022-01-03. Review status: no assertion criteria provided. Collection method: clinical testing. Allele origin: de novo. Affected: yes. Not counted in ClinVar's aggregate classification.

Literature cited by the submitters: PubMed 24680889 (cited by Dasa and Labcorp Genetics (formerly Invitae), Labcorp); PubMed 25138099 (cited by Dasa); PubMed 28549204 (cited by Ambry Genetics and Labcorp Genetics (formerly Invitae), Labcorp).

NM_001080517.3(SETD5):c.3855dup (p.Ser1286fs)

Gene: SETD5 (SET domain containing 5; plus strand). Cytogenetic location: 3p25.3.
Variant type: Duplication.
Coding change: c.3855dup on transcript NM_001080517.3 (MANE Select); coding-DNA position 3855, one base duplicated (C; older notation c.3855dupC).
Protein change: p.Ser1286fs; shifts the reading frame from serine 1286.
Molecular consequence: frameshift variant.
Genome position (GRCh38, 1-based): chr3:9,475,617, C duplicated; the last of 7 consecutive C bases (chr3:9,475,611-9,475,617); duplicating any one gives the same sequence. VCF-style (leftmost placement, unchanged base first): chr3-9475610-A-AC. GRCh37 (hg19) VCF-style: chr3-9517294-A-AC.
Other names: c.3855dupC (NM_001080517.1); c.3848_3849insC (NM_001080517.3); c.3561dup, p.Ser1188fs (NM_001292043.2, NM_001349451.2); short protein forms S1188fs, S1286fs.
Identifiers: ClinVar variation 450756 (VCV000450756.18), dbSNP rs1553641476, ClinGen allele CA645526497.